The following is an entry in ClinVar:

ClinVar aggregate classification (germline): Uncertain significance (1 of 4 stars; one submission).

Conditions:
Ullrich congenital muscular dystrophy 2 (UCMD2). Identifiers: Orphanet 75840, MedGen C4225314, MONDO:0014654, OMIM 616470.
Bethlem myopathy 2 (BTHLM2). Identifiers: Orphanet 536516, Orphanet 610, MedGen C4225313, MONDO:0034022, OMIM 616471.

Submission:

Labcorp Genetics (formerly Invitae), Labcorp
Classification: Uncertain significance for Bethlem myopathy 2; Ullrich congenital muscular dystrophy 2. Last evaluated: 2022-11-08. Review status: criteria provided, single submitter. Criteria: Invitae Variant Classification Sherloc (09022015). Collection method: clinical testing. Allele origin: germline.
Comment: In summary, the available evidence is currently insufficient to determine the role of this variant in disease. Therefore, it has been classified as a Variant of Uncertain Significance. Advanced modeling of protein sequence and biophysical properties (such as structural, functional, and spatial information, amino acid conservation, physicochemical variation, residue mobility, and thermodynamic stability) performed at Invitae indicates that this missense variant is not expected to disrupt COL12A1 protein function. ClinVar contains an entry for this variant (Variation ID: 951832). This variant has not been reported in the literature in individuals affected with COL12A1-related conditions. This variant is not present in population databases (gnomAD no frequency). This sequence change replaces glutamic acid, which is acidic and polar, with aspartic acid, which is acidic and polar, at codon 1132 of the COL12A1 protein (p.Glu1132Asp).

NM_004370.6(COL12A1):c.3396G>C (p.Glu1132Asp)

Gene: COL12A1 (collagen type XII alpha 1 chain; minus strand). Cytogenetic location: 6q13.
Variant type: single nucleotide variant.
Coding change: c.3396G>C on transcript NM_004370.6 (MANE Select); coding-DNA position 3396, G replaced by C.
Protein change: p.Glu1132Asp; replaces glutamic acid 1132 with aspartic acid.
Molecular consequence: missense variant. On other transcripts: intron variant (1).
Genome position (GRCh38, 1-based): chr6:75,155,709, C>G on the plus strand (G>C on the coding strand, the complement: COL12A1 is on the minus strand). VCF-style: chr6-75155709-C-G. GRCh37 (hg19) VCF-style: chr6-75865425-C-G.
Other names: c.74-3227G>C (NM_080645.3); short protein forms E1132D.
Identifiers: ClinVar variation 951832 (VCV000951832.10), dbSNP rs1420617553, ClinGen allele CA364752161.